The following is an entry in ClinVar:

ClinVar aggregate classification (germline): Pathogenic/Likely pathogenic. Review status: criteria provided, multiple submitters, no conflicts (2 of 4 stars). 3 submissions from 3 submitters: Pathogenic (1); Likely pathogenic (1). 1 of the submissions does not count toward it. Last evaluated 2023-10-06.

Conditions:
Aspartylglucosaminuria (AGU). Also called: GLYCOASPARAGINASE; GLYCOSYLASPARAGINASE DEFICIENCY; Aspartylglucos-aminuria; Aspartylglucos-amidase (AGA) deficiency; AGA DEFICIENCY. Identifiers: Orphanet 93, MedGen C0268225, MONDO:0008830, OMIM 208400, HP:0012068.

Allele frequency attached by ClinVar (database versions not stated): TOPMed below 0.00001; gnomAD 0.00001.

Submissions (3):

Labcorp Genetics (formerly Invitae), Labcorp
Classification: Pathogenic for Aspartylglucosaminuria. Last evaluated: 2023-10-06. Review status: criteria provided, single submitter. Criteria: Invitae Variant Classification Sherloc (09022015). Collection method: clinical testing. Allele origin: germline.
Comment: This sequence change affects the initiator methionine of the AGA mRNA. The next in-frame methionine is located at codon 63. This variant is not present in population databases (gnomAD no frequency). This variant has not been reported in the literature in individuals affected with AGA-related conditions. ClinVar contains an entry for this variant (Variation ID: 371140). This variant disrupts a region of the AGA protein in which other variant(s) (p.Gly60Asp) have been determined to be pathogenic (PMID: 1722323, 11309371). This suggests that this is a clinically significant region of the protein, and that variants that disrupt it are likely to be disease-causing. For these reasons, this variant has been classified as Pathogenic.

Revvity Omics, Revvity
Classification: Likely pathogenic for Aspartylglucosaminuria. Last evaluated: 2023-04-07. Review status: criteria provided, single submitter. Criteria: ACMG Guidelines, 2015. Collection method: clinical testing. Allele origin: germline.

Counsyl
Classification: Likely pathogenic for Aspartylglucosaminuria. Last evaluated: 2016-07-08. Review status: no assertion criteria provided. Collection method: clinical testing. Allele origin: unknown. Not counted in ClinVar's aggregate classification.

Literature cited by the submitters: PubMed 1722323 (cited by Labcorp Genetics (formerly Invitae), Labcorp); PubMed 11309371 (cited by Labcorp Genetics (formerly Invitae), Labcorp).

NM_000027.4(AGA):c.1A>G (p.Met1Val)

Gene: AGA (aspartylglucosaminidase; minus strand). Cytogenetic location: 4q34.3.
Variant type: single nucleotide variant.
Coding change: c.1A>G on transcript NM_000027.4 (MANE Select); coding-DNA position 1, A replaced by G.
Protein change: p.Met1Val; changes the start codon (methionine 1).
Molecular consequence: missense variant, initiator codon variant. On other transcripts: non-coding transcript variant (1).
Genome position (GRCh38, 1-based): chr4:177,442,375, T>C on the plus strand (A>G on the coding strand, the complement: AGA is on the minus strand). VCF-style: chr4-177442375-T-C. GRCh37 (hg19) VCF-style: chr4-178363529-T-C.
Other names: c.1A>G, p.Met1Val (NM_001171988.2); short protein forms M1V.
Identifiers: ClinVar variation 371140 (VCV000371140.12), dbSNP rs1054938291, ClinGen allele CA16040938.